The following is an entry in ClinVar:

NM_001134831.2(AHI1):c.484C>T (p.Gln162Ter)

Gene: AHI1 (Abelson helper integration site 1; minus strand). Cytogenetic location: 6q23.3.
Variant type: single nucleotide variant.
Coding change: c.484C>T on transcript NM_001134831.2 (MANE Select); coding-DNA position 484, C replaced by T.
Protein change: p.Gln162Ter; replaces glutamine 162 with a stop codon.
Molecular consequence: nonsense.
Genome position (GRCh38, 1-based): chr6:135,466,079, G>A on the plus strand (C>T on the coding strand, the complement: AHI1 is on the minus strand). VCF-style: chr6-135466079-G-A. GRCh37 (hg19) VCF-style: chr6-135787217-G-A.
Other names: c.484C>T, p.Gln162Ter (NM_001134830.2, NM_001134832.2, NM_001350503.2 and 2 more transcripts); short protein forms Q162*.
Identifiers: ClinVar variation 936055 (VCV000936055.12), dbSNP rs1270654737, ClinGen allele CA365751567.

ClinVar aggregate classification (germline): Pathogenic/Likely pathogenic. Review status: criteria provided, multiple submitters, no conflicts (2 of 4 stars). 5 submissions from 5 submitters: Pathogenic (3); Likely pathogenic (2). Last evaluated 2025-12-06.

Conditions:
Joubert syndrome and related disorders. Identifiers: Orphanet 140874, MedGen C5679612, MONDO:0015369.
Joubert syndrome. Also called: Familial aplasia of the vermis; JOUBERT-BOLTSHAUSER SYNDROME. Identifiers: Orphanet 475, MedGen C5979921, MONDO:0018772.
Joubert syndrome 3 (JBTS3). Also called: AHI1-related Ciliopathy. Identifiers: Orphanet 220493, MedGen C1837713, MONDO:0012078, OMIM 608629.
Retinal dystrophy. Also called: Inherited retinal dystrophy. Identifiers: Orphanet 71862, MedGen C0854723, MeSH D058499, MONDO:0019118, HP:0000556.

Allele frequency attached by ClinVar (database versions not stated): gnomAD exomes below 0.00001 and 0.00001.
gnomAD v4.1: 2 of 1,613,888 alleles (0.00012%); highest among the groups gnomAD compares: Admixed American, 0.0033%; no homozygotes.

Submissions (5):

Labcorp Genetics (formerly Invitae), Labcorp
Classification: Pathogenic for Joubert syndrome. Last evaluated: 2025-12-06. Review status: criteria provided, single submitter. Criteria: Invitae Variant Classification Sherloc (09022015). Collection method: clinical testing. Allele origin: germline.
Comment: This sequence change creates a premature translational stop signal (p.Gln162*) in the AHI1 gene. It is expected to result in an absent or disrupted protein product. Loss-of-function variants in AHI1 are known to be pathogenic (PMID: 15322546, 16453322, 28442542, 29186038). This variant is present in population databases (no rsID available, gnomAD 0.009%). This variant has not been reported in the literature in individuals affected with AHI1-related conditions. ClinVar contains an entry for this variant (Variation ID: 936055). For these reasons, this variant has been classified as Pathogenic.

Myriad Genetics, Inc.
Classification: Pathogenic for Joubert syndrome 3. Last evaluated: 2024-11-11. Review status: criteria provided, single submitter. Criteria: Myriad Autosomal Dominant, Autosomal Recessive and X-Linked Classification Criteria (2023). Collection method: clinical testing. Allele origin: unknown.
Comment: NM_001134831.1(AHI1):c.484C>T(Q162*) is expected to be pathogenic in the context of Joubert syndrome, AHI1-related. This variant is predicted to lead to an abnormal or absent protein product due to the creation of a premature termination codon in AHI1, a gene where loss-of-function variants are known to be pathogenic. Please note: this variant was assessed in the context of healthy population screening.

Women's Health and Genetics/Laboratory Corporation of America, LabCorp
Classification: Pathogenic for Joubert syndrome and related disorders. Last evaluated: 2023-12-12. Review status: criteria provided, single submitter. Criteria: LabCorp Variant Classification Summary - May 2015. Collection method: clinical testing. Allele origin: germline.
Comment: Variant summary: AHI1 c.484C>T (p.Gln162X) results in a premature termination codon, predicted to cause a truncation of the encoded protein or absence of the protein due to nonsense mediated decay, which are commonly known mechanisms for disease. The variant allele was found at a frequency of 1.2e-05 in 249122 control chromosomes. To our knowledge, no occurrence of c.484C>T in individuals affected with Joubert Syndrome And Related Disorders and no experimental evidence demonstrating its impact on protein function have been reported. Two submitters have cited clinical-significance assessments for this variant to ClinVar after 2014. All submitters classified the variant as pathogenic/likely pathogenic. Based on the evidence outlined above, the variant was classified as pathogenic.

Fulgent Genetics
Classification: Likely pathogenic for Joubert syndrome 3. Last evaluated: 2021-09-08. Review status: criteria provided, single submitter. Criteria: ACMG Guidelines, 2015. Collection method: clinical testing. Allele origin: unknown.

Institute of Human Genetics, Univ. Regensburg, Univ. Regensburg
Classification: Likely pathogenic for Retinal dystrophy. Last evaluated: 2021-01-01. Review status: criteria provided, single submitter. Criteria: ACMG Guidelines, 2015. Collection method: clinical testing. Allele origin: germline. Affected: yes.

Literature cited by the submitters: PubMed 15322546 (cited by Labcorp Genetics (formerly Invitae), Labcorp); PubMed 16453322 (cited by Labcorp Genetics (formerly Invitae), Labcorp); PubMed 28442542 (cited by Labcorp Genetics (formerly Invitae), Labcorp); PubMed 29186038 (cited by Labcorp Genetics (formerly Invitae), Labcorp); PubMed 31964843 (cited by Institute of Human Genetics, Univ. Regensburg, Univ. Regensburg).